The following is an entry in ClinVar:

ClinVar aggregate classification (germline): Uncertain significance. Review status: criteria provided, multiple submitters, no conflicts (2 of 4 stars). 2 submissions from 2 submitters: Uncertain significance (2). Last evaluated 2025-08-25.

Conditions:
Hereditary cancer-predisposing syndrome. Also called: Tumor predisposition; Neoplastic Syndromes, Hereditary; Hereditary Cancer Syndrome; Hereditary neoplastic syndrome. Identifiers: Orphanet 140162, MedGen C0027672, MeSH D009386, MONDO:0015356.
Carney complex, type 1 (CNC1). Also called: CARNEY MYXOMA-ENDOCRINE COMPLEX; CARNEY COMPLEX, TYPE I. Identifiers: Orphanet 1359, MedGen C2607929, MONDO:0008057, OMIM 160980.

Submissions (2):

Labcorp Genetics (formerly Invitae), Labcorp
Classification: Uncertain significance for Carney complex, type 1. Last evaluated: 2025-08-25. Review status: criteria provided, single submitter. Criteria: Invitae Variant Classification Sherloc (09022015). Collection method: clinical testing. Allele origin: germline.
Comment: This variant occurs in a non-coding region of the PRKAR1A gene. It does not change the encoded amino acid sequence of the PRKAR1A protein. This variant is not present in population databases (gnomAD no frequency). This variant has not been reported in the literature in individuals affected with PRKAR1A-related conditions. ClinVar contains an entry for this variant (Variation ID: 3693844). In summary, the available evidence is currently insufficient to determine the role of this variant in disease. Therefore, it has been classified as a Variant of Uncertain Significance.

Ambry Genetics
Classification: Uncertain significance for Hereditary cancer-predisposing syndrome. Last evaluated: 2025-04-03. Review status: criteria provided, single submitter. Criteria: Ambry Variant Classification Scheme 2023. Collection method: clinical testing. Allele origin: germline.
Comment: The c.-3A>G variant is located in the 5' untranslated region (5&rsquo; UTR) of the PRKAR1A gene. This variant results from an A to G substitution 3 bases upstream from the first translated codon. Based on the available evidence, the clinical significance of this variant remains unclear.

NM_002734.5(PRKAR1A):c.-3A>G

Gene: PRKAR1A (protein kinase cAMP-dependent type I regulatory subunit alpha; plus strand). Cytogenetic location: 17q24.2.
Variant type: single nucleotide variant.
Coding change: c.-3A>G on transcript NM_002734.5 (MANE Select); 3 bases upstream of the start codon, A replaced by G.
Molecular consequence: 5 prime UTR variant.
Genome position (GRCh38, 1-based): chr17:68,515,397, A>G. VCF-style: chr17-68515397-A-G. GRCh37 (hg19) VCF-style: chr17-66511538-A-G.
Other names: c.-3A>G (NM_002734.3, NM_001276289.2, NM_001276290.1 and 5 more transcripts).
Identifiers: ClinVar variation 3693844 (VCV003693844.3).